The following is an entry in ClinVar:

NM_013314.4(BLNK):c.275C>A (p.Ala92Asp)

Gene: BLNK (B cell linker; minus strand). Cytogenetic location: 10q24.1.
Variant type: single nucleotide variant.
Coding change: c.275C>A on transcript NM_013314.4 (MANE Select); coding-DNA position 275, C replaced by A.
Protein change: p.Ala92Asp; replaces alanine 92 with aspartic acid.
Molecular consequence: missense variant. On other transcripts: non-coding transcript variant (4).
Genome position (GRCh38, 1-based): chr10:96,227,496, G>T on the plus strand (C>A on the coding strand, the complement: BLNK is on the minus strand). VCF-style: chr10-96227496-G-T. GRCh37 (hg19) VCF-style: chr10-97987252-G-T.
Other names: c.275C>A, p.Ala92Asp (NM_001114094.2, NM_001258440.2, NM_001258441.2 and 1 more transcripts); short protein forms A92D.
Identifiers: ClinVar variation 1057046 (VCV001057046.5), dbSNP rs201576692, ClinGen allele CA5623518.

ClinVar aggregate classification (germline): Uncertain significance. Review status: criteria provided, multiple submitters, no conflicts (2 of 4 stars). 2 submissions from 2 submitters: Uncertain significance (2). Last evaluated 2025-06-17.

Conditions:
Agammaglobulinemia 4, autosomal recessive (AGM4). Also called: B cell linker protein deficiency; AGAMMAGLOBULINEMIA, AUTOSOMAL RECESSIVE, DUE TO BLNK DEFECT. Identifiers: MedGen C3150752, MONDO:0013289, OMIM 613502.

Allele frequency attached by ClinVar (database versions not stated): gnomAD 0.00003 and 0.00005; TOPMed 0.00005; ExAC 0.00008; 1000 Genomes Project 30x 0.00031; 1000 Genomes Project 0.00040.
gnomAD v4.1: 99 of 1,614,216 alleles (0.0061%); highest among the groups gnomAD compares: East Asian, 0.22%; 2 homozygotes.

Submissions (2):

Labcorp Genetics (formerly Invitae), Labcorp
Classification: Uncertain significance for Agammaglobulinemia 4, autosomal recessive. Last evaluated: 2025-06-17. Review status: criteria provided, single submitter. Criteria: Invitae Variant Classification Sherloc (09022015). Collection method: clinical testing. Allele origin: germline.
Comment: This sequence change replaces alanine, which is neutral and non-polar, with aspartic acid, which is acidic and polar, at codon 92 of the BLNK protein (p.Ala92Asp). This variant is present in population databases (rs201576692, gnomAD 0.2%). This variant has not been reported in the literature in individuals affected with BLNK-related conditions. ClinVar contains an entry for this variant (Variation ID: 1057046). Invitae Evidence Modeling of protein sequence and biophysical properties (such as structural, functional, and spatial information, amino acid conservation, physicochemical variation, residue mobility, and thermodynamic stability) indicates that this missense variant is not expected to disrupt BLNK protein function with a negative predictive value of 80%. In summary, the available evidence is currently insufficient to determine the role of this variant in disease. Therefore, it has been classified as a Variant of Uncertain Significance.

Fulgent Genetics
Classification: Uncertain significance for Agammaglobulinemia 4, autosomal recessive. Last evaluated: 2022-03-31. Review status: criteria provided, single submitter. Criteria: ACMG Guidelines, 2015. Collection method: clinical testing. Allele origin: unknown.